The following is an entry in ClinVar:

NM_002834.5(PTPN11):c.*3043C>T

Gene: PTPN11 (protein tyrosine phosphatase non-receptor type 11; plus strand). Cytogenetic location: 12q24.13.
Variant type: single nucleotide variant.
Coding change: c.*3043C>T on transcript NM_002834.5 (MANE Select); 3043 bases downstream of the stop codon, C replaced by T.
Molecular consequence: 3 prime UTR variant.
Genome position (GRCh38, 1-based): chr12:112,508,835, C>T. VCF-style: chr12-112508835-C-T. GRCh37 (hg19) VCF-style: chr12-112946639-C-T.
Other names: c.*3043C>T (NM_001330437.2, NM_001374625.1).
Identifiers: ClinVar variation 307259 (VCV000307259.6), dbSNP rs41307084, ClinGen allele CA10640271.
Genomic context (GRCh38, chr12:112,508,835, plus strand): 5'-TCATCTCTCCCACTGAAACCAAGGTCTTTTCAAATGTGGCTAAATGGGGATGAGGAGACA[C>T]GGGTAGGACTTTCTTGGTGTGTGTGCATTCTTTAAAGAGCCAAGTTGCTTCGGGGAAACA-3'

ClinVar aggregate classification (germline): Benign/Likely benign. Review status: criteria provided, multiple submitters, no conflicts (2 of 4 stars). 4 submissions from 2 submitters: Benign (2); Likely benign (2). Last evaluated 2018-01-12.

Conditions:
Metachondromatosis (METCDS). Identifiers: Orphanet 2499, MedGen C0410530, MONDO:0007979, OMIM 156250.
Noonan syndrome 1 (NS1). Also called: TURNER PHENOTYPE WITH NORMAL KARYOTYPE; PTPN11-Related Noonan Syndrome; FEMALE PSEUDO-TURNER SYNDROME. Identifiers: Orphanet 648, MedGen C4551602, MONDO:0008104, OMIM 163950. Disease mechanism: gain of function.
LEOPARD syndrome 1 (LPRD1). Also called: LENTIGINOSIS, CARDIOMYOPATHIC; MULTIPLE LENTIGINES SYNDROME; PTPN11-Related LEOPARD Syndrome. Identifiers: Orphanet 500, MedGen C4551484, MONDO:0100082, OMIM 151100.

Allele frequency attached by ClinVar (database versions not stated): 1000 Genomes Project 30x 0.00375; 1000 Genomes Project 0.00399; gnomAD 0.00646 and 0.00647; TOPMed 0.00659.

Submissions (4):

Illumina Laboratory Services, Illumina
Classification: Benign for Metachondromatosis. Last evaluated: 2018-01-12. Review status: criteria provided, single submitter. Criteria: ICSL Variant Classification Criteria 13 December 2019. Collection method: clinical testing. Allele origin: germline.
Comment: This variant was observed in the ICSL laboratory as part of a predisposition screen in an ostensibly healthy population. It had not been previously curated by ICSL or reported in the Human Gene Mutation Database (HGMD: prior to June 1st, 2018), and was therefore a candidate for classification through an automated scoring system. Utilizing variant allele frequency, disease prevalence and penetrance estimates, and inheritance mode, an automated score was calculated to assess if this variant is too frequent to cause the disease. Based on the score and internal cut-off values, a variant classified as benign is not then subjected to further curation. The score for this variant resulted in a classification of benign for this disease.

Illumina Laboratory Services, Illumina
Classification: Likely benign for Noonan syndrome 1. Last evaluated: 2018-01-12. Review status: criteria provided, single submitter. Criteria: ICSL Variant Classification Criteria 13 December 2019. Collection method: clinical testing. Allele origin: germline.
Comment: This variant was observed in the ICSL laboratory as part of a predisposition screen in an ostensibly healthy population. It had not been previously curated by ICSL or reported in the Human Gene Mutation Database (HGMD: prior to June 1st, 2018), and was therefore a candidate for classification through an automated scoring system. Utilizing variant allele frequency, disease prevalence and penetrance estimates, and inheritance mode, an automated score was calculated to assess if this variant is too frequent to cause the disease. Based on the score and internal cut-off values, a variant classified as likely benign is not then subjected to further curation. The score for this variant resulted in a classification of likely benign for this disease.

Illumina Laboratory Services, Illumina
Classification: Benign for LEOPARD syndrome 1. Last evaluated: 2018-01-12. Review status: criteria provided, single submitter. Criteria: ICSL Variant Classification Criteria 13 December 2019. Collection method: clinical testing. Allele origin: germline.
Comment: the same text as in the submission from Illumina Laboratory Services, Illumina above.

Breakthrough Genomics
Classification: Likely benign. Review status: criteria provided, single submitter. Criteria: ACMG Guidelines, 2015. Collection method: not provided. Allele origin: germline. Inheritance: Autosomal dominant inheritance. Affected: yes.